The following is an entry in ClinVar:

ClinVar aggregate classification (germline): Likely benign. Review status: criteria provided, multiple submitters, no conflicts (2 of 4 stars). 4 submissions from 4 submitters: Likely benign (3). 1 of the submissions does not count toward it. Last evaluated 2026-02-02.

Conditions:
Polycystic kidney disease 4 (PKD4). Also called: PKD3; Autosomal Recessive Polycystic Kidney Disease – PKHD1; POLYCYSTIC KIDNEY AND HEPATIC DISEASE 1; POLYCYSTIC KIDNEY DISEASE, INFANTILE, TYPE I; POLYCYSTIC KIDNEY DISEASE 4 WITH OR WITHOUT POLYCYSTIC LIVER DISEASE. Identifiers: MedGen C4540575, MONDO:0033004, OMIM 263200.
PKHD1-related disorder. Also called: PKHD1-related condition.
Autosomal recessive polycystic kidney disease (ARPKD). Also called: AR polycystic kidney disease. Identifiers: Orphanet 731, Orphanet 8378, MedGen C0085548, MeSH D017044, MONDO:0009889.

Allele frequency attached by ClinVar (database versions not stated): gnomAD exomes 0.00024 and 0.00025; gnomAD 0.00026 and 0.00028; TOPMed 0.00026; ExAC 0.00042.
gnomAD v4.1: 394 of 1,598,668 alleles (0.025%); highest among the groups gnomAD compares: Non-Finnish European, 0.029%; no homozygotes.

Submissions (4):

Labcorp Genetics (formerly Invitae), Labcorp
Classification: Likely benign for Autosomal recessive polycystic kidney disease. Last evaluated: 2026-02-02. Review status: criteria provided, single submitter. Criteria: Invitae Variant Classification Sherloc (09022015). Collection method: clinical testing. Allele origin: germline.

Blueprint Genetics
Classification: Likely benign. Last evaluated: 2024-11-25. Review status: criteria provided, single submitter. Criteria: ACMG Guidelines, 2015. Collection method: clinical testing. Allele origin: germline.

Fulgent Genetics
Classification: Likely benign for Polycystic kidney disease 4. Last evaluated: 2022-02-15. Review status: criteria provided, single submitter. Criteria: ACMG Guidelines, 2015. Collection method: clinical testing. Allele origin: unknown.

PreventionGenetics, part of Exact Sciences
Classification: Likely benign for PKHD1-related condition. Last evaluated: 2022-02-03. Review status: no assertion criteria provided. Collection method: clinical testing. Allele origin: germline. Not counted in ClinVar's aggregate classification.
Comment: This variant is classified as likely benign based on ACMG/AMP sequence variant interpretation guidelines (Richards et al. 2015 PMID: 25741868, with internal and published modifications).

NM_138694.4(PKHD1):c.8174-19A>T

Gene: PKHD1 (PKHD1 ciliary IPT domain containing fibrocystin/polyductin; minus strand). Cytogenetic location: 6p12.2.
Variant type: single nucleotide variant.
Coding change: c.8174-19A>T on transcript NM_138694.4 (MANE Select); 19 bases into the intron before coding-DNA position 8174, A replaced by T.
Molecular consequence: intron variant.
Genome position (GRCh38, 1-based): chr6:51,831,008, T>A on the plus strand (A>T on the coding strand, the complement: PKHD1 is on the minus strand). VCF-style: chr6-51831008-T-A. GRCh37 (hg19) VCF-style: chr6-51695806-T-A.
Other names: c.8174-19A>T (NM_138694.3, NM_170724.3).
Identifiers: ClinVar variation 1551554 (VCV001551554.12), dbSNP rs758233215, ClinGen allele CA3851705.